The following is an entry in ClinVar:

ClinVar aggregate classification (germline): Uncertain significance. Review status: criteria provided, multiple submitters, no conflicts (2 of 4 stars). 2 submissions from 2 submitters: Uncertain significance (2). Last evaluated 2024-10-16.

Allele frequency attached by ClinVar (database versions not stated): gnomAD 0.00001; gnomAD exomes 0.00001; TOPMed 0.00002.
gnomAD v4.1: 15 of 1,597,606 alleles (0.00094%); highest among the groups gnomAD compares: Admixed American, 0.0017%; no homozygotes.

Submissions (2):

Labcorp Genetics (formerly Invitae), Labcorp
Classification: Uncertain significance. Last evaluated: 2024-10-16. Review status: criteria provided, single submitter. Criteria: Invitae Variant Classification Sherloc (09022015). Collection method: clinical testing. Allele origin: germline.
Comment: This sequence change replaces glycine, which is neutral and non-polar, with serine, which is neutral and polar, at codon 744 of the FUK protein (p.Gly744Ser). This variant is present in population databases (no rsID available, gnomAD 0.004%). This variant has not been reported in the literature in individuals affected with FUK-related conditions. ClinVar contains an entry for this variant (Variation ID: 2175938). An algorithm developed to predict the effect of missense changes on protein structure and function (PolyPhen-2) suggests that this variant is likely to be tolerated. In summary, the available evidence is currently insufficient to determine the role of this variant in disease. Therefore, it has been classified as a Variant of Uncertain Significance.

Ambry Genetics
Classification: Uncertain significance. Last evaluated: 2024-07-10. Review status: criteria provided, single submitter. Criteria: Ambry Variant Classification Scheme 2023. Collection method: clinical testing. Allele origin: germline.

NM_145059.3(FCSK):c.2230G>A (p.Gly744Ser)

Gene: FCSK (fucose kinase; plus strand). Cytogenetic location: 16q22.1.
Variant type: single nucleotide variant.
Coding change: c.2230G>A on transcript NM_145059.3 (MANE Select); coding-DNA position 2230, G replaced by A.
Protein change: p.Gly744Ser; replaces glycine 744 with serine.
Molecular consequence: missense variant.
Genome position (GRCh38, 1-based): chr16:70,474,864, G>A. VCF-style: chr16-70474864-G-A. GRCh37 (hg19) VCF-style: chr16-70508767-G-A.
Other names: c.2230G>A (NM_145059.2); short protein forms G744S.
Identifiers: ClinVar variation 2175938 (VCV002175938.5), dbSNP rs969881282, ClinGen allele CA283472627.